The following is an entry in ClinVar:

ClinVar aggregate classification (germline): Uncertain significance. Review status: criteria provided, multiple submitters, no conflicts (2 of 4 stars). 2 submissions from 2 submitters: Uncertain significance (2). Last evaluated 2025-10-14.

Conditions:
Inborn genetic diseases. Identifiers: MedGen C0950123, MeSH D030342.

Allele frequency attached by ClinVar (database versions not stated): gnomAD exomes 0.00002; gnomAD 0.00001; TOPMed 0.00002.
gnomAD v4.1: 19 of 1,611,002 alleles (0.0012%); highest among the groups gnomAD compares: Non-Finnish European, 0.0015%; 1 homozygote.

Submissions (2):

Ambry Genetics
Classification: Uncertain significance for Inborn genetic diseases. Last evaluated: 2025-10-14. Review status: criteria provided, single submitter. Criteria: Ambry Variant Classification Scheme 2023. Collection method: clinical testing. Allele origin: germline.

Labcorp Genetics (formerly Invitae), Labcorp
Classification: Uncertain significance. Last evaluated: 2022-10-13. Review status: criteria provided, single submitter. Criteria: Invitae Variant Classification Sherloc (09022015). Collection method: clinical testing. Allele origin: germline.
Comment: This sequence change replaces aspartic acid, which is acidic and polar, with histidine, which is basic and polar, at codon 65 of the TRAF3IP1 protein (p.Asp65His). This variant is present in population databases (no rsID available, gnomAD 0.007%). This variant has not been reported in the literature in individuals affected with TRAF3IP1-related conditions. ClinVar contains an entry for this variant (Variation ID: 964542). Algorithms developed to predict the effect of missense changes on protein structure and function are either unavailable or do not agree on the potential impact of this missense change (SIFT: "Deleterious"; PolyPhen-2: "Probably Damaging"; Align-GVGD: "Class C0"). In summary, the available evidence is currently insufficient to determine the role of this variant in disease. Therefore, it has been classified as a Variant of Uncertain Significance.

NM_015650.4(TRAF3IP1):c.193G>C (p.Asp65His)

Gene: TRAF3IP1 (TRAF3 interacting protein 1; plus strand). Cytogenetic location: 2q37.3.
Variant type: single nucleotide variant.
Coding change: c.193G>C on transcript NM_015650.4 (MANE Select); coding-DNA position 193, G replaced by C.
Protein change: p.Asp65His; replaces aspartic acid 65 with histidine.
Molecular consequence: missense variant.
Genome position (GRCh38, 1-based): chr2:238,325,809, G>C. VCF-style: chr2-238325809-G-C. GRCh37 (hg19) VCF-style: chr2-239234450-G-C.
Other names: c.193G>C, p.Asp65His (NM_001139490.1); short protein forms D65H.
Identifiers: ClinVar variation 964542 (VCV000964542.6), dbSNP rs1255365750, ClinGen allele CA351241574.